The following is an entry in ClinVar:

ClinVar aggregate classification (germline): Uncertain significance (1 of 4 stars; one submission).

Conditions:
Methylmalonic acidemia due to transcobalamin receptor defect (MATR). Also called: METHYLMALONIC ACIDURIA, TRANSIENT, DUE TO TRANSCOBALAMIN RECEPTOR DEFECT; METHYLMALONIC ACIDEMIA, TCblR TYPE. Identifiers: Orphanet 280183, MedGen C4749905, MONDO:0013341, OMIM 613646.

Allele frequency attached by ClinVar (database versions not stated): gnomAD exomes 0.00001; TOPMed 0.00002; ExAC 0.00004.
gnomAD v4.1: 16 of 1,574,674 alleles (0.001%); highest among the groups gnomAD compares: Admixed American, 0.012%; no homozygotes.

Submission:

Labcorp Genetics (formerly Invitae), Labcorp
Classification: Uncertain significance for Methylmalonic acidemia due to transcobalamin receptor defect. Last evaluated: 2023-12-22. Review status: criteria provided, single submitter. Criteria: Invitae Variant Classification Sherloc (09022015). Collection method: clinical testing. Allele origin: germline.
Comment: This sequence change replaces glycine, which is neutral and non-polar, with serine, which is neutral and polar, at codon 26 of the CD320 protein (p.Gly26Ser). This variant is present in population databases (rs748403746, gnomAD 0.02%). This variant has not been reported in the literature in individuals affected with CD320-related conditions. Algorithms developed to predict the effect of missense changes on protein structure and function output the following: SIFT: "Not Available"; PolyPhen-2: "Probably Damaging"; Align-GVGD: "Not Available". The serine amino acid residue is found in multiple mammalian species, which suggests that this missense change does not adversely affect protein function. In summary, the available evidence is currently insufficient to determine the role of this variant in disease. Therefore, it has been classified as a Variant of Uncertain Significance.

NM_016579.4(CD320):c.76G>A (p.Gly26Ser)

Gene: CD320 (CD320 molecule; minus strand). Cytogenetic location: 19p13.2.
Variant type: single nucleotide variant.
Coding change: c.76G>A on transcript NM_016579.4 (MANE Select); coding-DNA position 76, G replaced by A.
Protein change: p.Gly26Ser; replaces glycine 26 with serine.
Molecular consequence: missense variant.
Genome position (GRCh38, 1-based): chr19:8,308,215, C>T on the plus strand (G>A on the coding strand, the complement: CD320 is on the minus strand). VCF-style: chr19-8308215-C-T. GRCh37 (hg19) VCF-style: chr19-8373099-C-T.
Other names: c.76G>A, p.Gly26Ser (NM_001165895.2); short protein forms G26S.
Identifiers: ClinVar variation 2894684 (VCV002894684.3), dbSNP rs748403746, ClinGen allele CA9154853.